The following is an entry in ClinVar:

ClinVar aggregate classification (germline): Uncertain significance (1 of 4 stars; one submission).

Conditions:
RASopathy. Also called: Noonan spectrum disorder; rasopathies. Identifiers: Orphanet 536391, MedGen C5555857, MONDO:0021060.

Submission:

Labcorp Genetics (formerly Invitae), Labcorp
Classification: Uncertain significance for RASopathy. Last evaluated: 2024-04-22. Review status: criteria provided, single submitter. Criteria: Invitae Variant Classification Sherloc (09022015). Collection method: clinical testing. Allele origin: germline.
Comment: This sequence change replaces proline, which is neutral and non-polar, with leucine, which is neutral and non-polar, at codon 536 of the CBL protein (p.Pro536Leu). This variant is not present in population databases (gnomAD no frequency). This variant has not been reported in the literature in individuals affected with CBL-related conditions. Advanced modeling of protein sequence and biophysical properties (such as structural, functional, and spatial information, amino acid conservation, physicochemical variation, residue mobility, and thermodynamic stability) performed at Invitae indicates that this missense variant is not expected to disrupt CBL protein function with a negative predictive value of 95%. In summary, the available evidence is currently insufficient to determine the role of this variant in disease. Therefore, it has been classified as a Variant of Uncertain Significance.

NM_005188.4(CBL):c.1607C>T (p.Pro536Leu)

Gene: CBL (Cbl proto-oncogene; plus strand). Cytogenetic location: 11q23.3.
Variant type: single nucleotide variant.
Coding change: c.1607C>T on transcript NM_005188.4 (MANE Select); coding-DNA position 1607, C replaced by T.
Protein change: p.Pro536Leu; replaces proline 536 with leucine.
Molecular consequence: missense variant.
Genome position (GRCh38, 1-based): chr11:119,285,232, C>T. VCF-style: chr11-119285232-C-T. GRCh37 (hg19) VCF-style: chr11-119155942-C-T.
Other names: short protein forms P536L.
Identifiers: ClinVar variation 3667568 (VCV003667568.2).
Genomic context (GRCh38, chr11:119,285,232, plus strand): 5'-TCACCCTGCTTCCACAGGCTGCTTCTGGCTCCCTTCATAAAGACAAACCATTGCCAGTAC[C>T]TCCCACACTTCGAGATCTTCCACCACCACCGCCTCCAGACCGGCCATATTCTGTTGGAGC-3'
Protein context (NP_005179.2, residues 526-546): SLHKDKPLPV[Pro536Leu]PTLRDLPPPP